The following is an entry in ClinVar:

NM_181458.4(PAX3):c.598del (p.Gln200fs)

Gene: PAX3 (paired box 3; minus strand). Cytogenetic location: 2q36.1.
Variant type: Deletion.
Coding change: c.598del on transcript NM_181458.4 (MANE Select); coding-DNA position 598, one base deleted (C; older notation c.598delC).
Protein change: p.Gln200fs; shifts the reading frame from glutamine 200.
Molecular consequence: frameshift variant.
Genome position (GRCh38, 1-based): chr2:222,232,272, G deleted on the plus strand (C on the coding strand, the reverse complement: PAX3 is on the minus strand); the first of 4 consecutive G bases (chr2:222,232,272-222,232,275); deleting any one gives the same sequence. VCF-style (leftmost placement, unchanged base first): chr2-222232271-TG-T. GRCh37 (hg19) VCF-style: chr2-223096990-TG-T.
Other names: c.595del, p.Gln199fs (NM_001127366.3); c.598del, p.Gln200fs (NM_181457.4, NM_181459.4, NM_181460.4 and 1 more transcripts); short protein forms Q199fs, Q200fs.
Identifiers: ClinVar variation 3601585 (VCV003601585.1).

ClinVar aggregate classification (germline): Pathogenic (1 of 4 stars; one submission).

Conditions:
Waardenburg syndrome type 1 (WS1). Also called: WAARDENBURG SYNDROME WITH DYSTOPIA CANTHORUM; Waardenburg Syndrome Type I. Identifiers: Orphanet 894, MedGen C1847800, MONDO:0008670, OMIM 193500.

Submission:

Institute of Rare Diseases, West China Hospital, Sichuan University
Classification: Pathogenic for Waardenburg syndrome type 1. Last evaluated: 2025-01-09. Review status: criteria provided, single submitter. Criteria: ClinGen HL ACMG Specifications v1. Collection method: research. Allele origin: germline. Affected: yes.
Comment: PVS1;PP4;PM2_Supporting